The following is an entry in ClinVar:

NM_000138.5(FBN1):c.1622G>A (p.Cys541Tyr)

Gene: FBN1 (fibrillin 1; minus strand). Cytogenetic location: 15q21.1.
Variant type: single nucleotide variant.
Coding change: c.1622G>A on transcript NM_000138.5 (MANE Select); coding-DNA position 1622, G replaced by A.
Protein change: p.Cys541Tyr; replaces cysteine 541 with tyrosine.
Molecular consequence: missense variant.
Genome position (GRCh38, 1-based): chr15:48,510,136, C>T on the plus strand (G>A on the coding strand, the complement: FBN1 is on the minus strand). VCF-style: chr15-48510136-C-T. GRCh37 (hg19) VCF-style: chr15-48802333-C-T.
Other names: short protein forms C541Y.
Identifiers: ClinVar variation 939149 (VCV000939149.26), dbSNP rs1555400064, ClinGen allele CA392341267.

ClinVar aggregate classification (germline): Pathogenic. Review status: criteria provided, multiple submitters, no conflicts (2 of 4 stars). 2 submissions from 2 submitters: Pathogenic (2). Last evaluated 2021-03-01.

Conditions:
Familial thoracic aortic aneurysm and aortic dissection (TAAD). Also called: Thoracic aortic aneurysms and dissections. Identifiers: Orphanet 91387, MedGen C4707243, MONDO:0019625.
Marfan syndrome (MFS). Also called: Marfan syndrome, classic; Marfan syndrome type 1; Marfan's syndrome; FBN1-Related Marfan Syndrome; MARFAN SYNDROME, TYPE I. Identifiers: Orphanet 284963, Orphanet 558, MedGen C0024796, MONDO:0007947, OMIM 154700.

Submissions (2):

Centre of Medical Genetics, University of Antwerp
Classification: Pathogenic for Marfan syndrome. Last evaluated: 2021-03-01. Review status: criteria provided, single submitter. Criteria: Submitter's publication. Collection method: research. Allele origin: unknown. Affected: yes.
Comment: PM2, PVS2, PP4

Labcorp Genetics (formerly Invitae), Labcorp
Classification: Pathogenic for Marfan syndrome; Familial thoracic aortic aneurysm and aortic dissection. Last evaluated: 2019-08-23. Review status: criteria provided, single submitter. Criteria: Invitae Variant Classification Sherloc (09022015). Collection method: clinical testing. Allele origin: germline.
Comment: This variant affects a cysteine residue in the EGF-like, TGFBP or hybrid motif domains of FBN1. Cysteine residues are believed to be involved in intramolecular disulfide bridges and have been shown to be important for FBN1 protein structure (PMID: 16905551, 19349279). In addition, missense substitutions affecting cysteine residues within these domains are significantly overrepresented among patients with Marfan syndrome (PMID: 16571647, 17701892). For these reasons, this variant has been classified as Pathogenic. This variant disrupts the p.Cys541 amino acid residue in FBN1. Other variant(s) that disrupt this residue have been observed in individuals with FBN1-related conditions (PMID: 24501682), which suggests that this may be a clinically significant amino acid residue. Algorithms developed to predict the effect of missense changes on protein structure and function (SIFT, PolyPhen-2, Align-GVGD) all suggest that this variant is likely to be disruptive, but these predictions have not been confirmed by published functional studies and their clinical significance is uncertain. This variant has been observed in individuals with clinical features of Marfan syndrome (PMID: 18925407, 16220557, Invitae). This variant is not present in population databases (ExAC no frequency). This sequence change replaces cysteine with tyrosine at codon 541 of the FBN1 protein (p.Cys541Tyr). The cysteine residue is highly conserved and there is a large physicochemical difference between cysteine and tyrosine.

Literature cited by the submitters: PubMed 16905551 (cited by Labcorp Genetics (formerly Invitae), Labcorp); PubMed 19349279 (cited by Labcorp Genetics (formerly Invitae), Labcorp); PubMed 16571647 (cited by Labcorp Genetics (formerly Invitae), Labcorp); PubMed 17701892 (cited by Labcorp Genetics (formerly Invitae), Labcorp); PubMed 24501682 (cited by Labcorp Genetics (formerly Invitae), Labcorp); PubMed 18925407 (cited by Labcorp Genetics (formerly Invitae), Labcorp); PubMed 16220557 (cited by Labcorp Genetics (formerly Invitae), Labcorp).